The following is an entry in ClinVar:

NC_000021.9:g.(?_33276576)_(33276773_?)del

Gene: IL10RB (interleukin 10 receptor subunit beta; plus strand). Cytogenetic location: 21q22.11.
Variant type: Deletion.
Identifiers: ClinVar variation 831278 (VCV000831278.9).

ClinVar aggregate classification (germline): Pathogenic (1 of 4 stars; one submission).

Conditions:
Inflammatory bowel disease 25. Also called: Inflammatory bowel disease 25, early onset, autosomal recessive. Identifiers: Orphanet 238569, MedGen C2675508, MONDO:0012941, OMIM 612567.

Submission:

Labcorp Genetics (formerly Invitae), Labcorp
Classification: Pathogenic for Inflammatory bowel disease 25. Last evaluated: 2022-08-27. Review status: criteria provided, single submitter. Criteria: Invitae Variant Classification Sherloc (09022015). Collection method: clinical testing. Allele origin: germline.
Comment: For these reasons, this variant has been classified as Pathogenic. A similar copy number variant has been observed in individual(s) with inflammatory bowel disease (PMID: 30365510). This variant is a gross deletion of the genomic region encompassing exon(s) 3 of the IL10RB gene. This deletion is out-of-frame, and is expected to create a premature termination codon and result in an absent or disrupted protein product. Loss-of-function variants in IL10RB are known to be pathogenic (PMID: 22549091).

Literature cited by the submitters: PubMed 30365510; PubMed 22549091.